The following is an entry in ClinVar:

NC_000011.10:g.(?_119028174)_(119029389_?)del

Gene: SLC37A4 (solute carrier family 37 member 4; minus strand). Cytogenetic location: 11q23.3.
Variant type: Deletion.
Identifiers: ClinVar variation 666221 (VCV000666221.5).

ClinVar aggregate classification (germline): Pathogenic (1 of 4 stars; one submission).

Conditions:
Glucose-6-phosphate transport defect (GSD1B). Also called: Glycogen Storage Disease Type Ib; GSD Ib. Identifiers: Orphanet 364, Orphanet 79259, MedGen C0268146, MONDO:0009288, OMIM 232220.

Submission:

Labcorp Genetics (formerly Invitae), Labcorp
Classification: Pathogenic for Glucose-6-phosphate transport defect. Last evaluated: 2019-07-12. Review status: criteria provided, single submitter. Criteria: Invitae Variant Classification Sherloc (09022015). Collection method: clinical testing. Allele origin: germline.
Comment: This variant is a gross deletion of the genomic region encompassing exons 3-4 of the SLC37A4 gene, which includes the initiator codon. The 5' end of this event is unknown as it extends beyond the assayed region for this gene and therefore may encompass additional genes. The 3' boundary is likely confined to intron 4 of the SLC37A4 gene. This is expected to result in an absent or disrupted protein product. This variant has not been reported in the literature in individuals with SLC37A4-related disease. Loss-of-function variants in SLC37A4 are known to be pathogenic (PMID: 9758626, 10940311). For these reasons, this variant has been classified as Pathogenic.

Literature cited by the submitters: PubMed 9758626; PubMed 10940311.